The following is an entry in ClinVar:

NM_000722.4(CACNA2D1):c.2891C>A (p.Thr964Asn)

Gene: CACNA2D1 (calcium voltage-gated channel auxiliary subunit alpha2delta 1; minus strand). Cytogenetic location: 7q21.11.
Variant type: single nucleotide variant.
Coding change: c.2891C>A on transcript NM_000722.4 (MANE Select); coding-DNA position 2891, C replaced by A.
Protein change: p.Thr964Asn; replaces threonine 964 with asparagine.
Molecular consequence: missense variant.
Genome position (GRCh38, 1-based): chr7:81,961,969, G>T on the plus strand (C>A on the coding strand, the complement: CACNA2D1 is on the minus strand). VCF-style: chr7-81961969-G-T. GRCh37 (hg19) VCF-style: chr7-81591285-G-T.
Other names: c.2927C>A, p.Thr976Asn (NM_001366867.1); short protein forms T964N, T976N.
Identifiers: ClinVar variation 2497631 (VCV002497631.5), dbSNP rs1258676891, ClinGen allele CA367882226.

ClinVar aggregate classification (germline): Uncertain significance. Review status: criteria provided, multiple submitters, no conflicts (2 of 4 stars). 2 submissions from 2 submitters: Uncertain significance (2). Last evaluated 2026-01-06.

Conditions:
Cardiovascular phenotype. Identifiers: MedGen CN230736.
Brugada syndrome. Also called: Sudden unexplained nocturnal death syndrome; Sudden unexpected nocturnal death syndrome; Sudden Unexplained Death Syndrome; Sudden Unexplained Nocturnal Death Syndrome (SUNDS). Identifiers: Orphanet 130, MedGen C1142166, MONDO:0015263.

Allele frequency attached by ClinVar (database versions not stated): gnomAD 0.00001; TOPMed below 0.00001; gnomAD exomes 0.00003.
gnomAD v4.1: 46 of 1,611,904 alleles (0.0029%); highest among the groups gnomAD compares: Non-Finnish European, 0.0038%; no homozygotes.

Submissions (2):

Labcorp Genetics (formerly Invitae), Labcorp
Classification: Uncertain significance for Brugada syndrome. Last evaluated: 2026-01-06. Review status: criteria provided, single submitter. Criteria: Invitae Variant Classification Sherloc (09022015). Collection method: clinical testing. Allele origin: germline.
Comment: This sequence change replaces threonine, which is neutral and polar, with asparagine, which is neutral and polar, at codon 964 of the CACNA2D1 protein (p.Thr964Asn). This variant is not present in population databases (gnomAD no frequency). This variant has not been reported in the literature in individuals affected with CACNA2D1-related conditions. ClinVar contains an entry for this variant (Variation ID: 2497631). An algorithm developed to predict the effect of missense changes on protein structure and function (PolyPhen-2) suggests that this variant is likely to be disruptive. In summary, the available evidence is currently insufficient to determine the role of this variant in disease. Therefore, it has been classified as a Variant of Uncertain Significance.

Ambry Genetics
Classification: Uncertain significance for Cardiovascular phenotype. Last evaluated: 2023-02-03. Review status: criteria provided, single submitter. Criteria: Ambry Variant Classification Scheme 2023. Collection method: clinical testing. Allele origin: germline.
Comment: The p.T964N variant (also known as c.2891C>A), located in coding exon 36 of the CACNA2D1 gene, results from a C to A substitution at nucleotide position 2891. The threonine at codon 964 is replaced by asparagine, an amino acid with similar properties. This amino acid position is conserved. In addition, the in silico prediction for this alteration is inconclusive. Since supporting evidence is limited at this time, the clinical significance of this alteration remains unclear.